The following is an entry in ClinVar:

ClinVar aggregate classification (germline): Pathogenic (1 of 4 stars; one submission).

Conditions:
Primary ciliary dyskinesia. Also called: Ciliary dyskinesia. Identifiers: Orphanet 244, MedGen C0008780, MONDO:0016575, HP:0012265.

Submission:

Labcorp Genetics (formerly Invitae), Labcorp
Classification: Pathogenic for Primary ciliary dyskinesia. Last evaluated: 2016-09-09. Review status: criteria provided, single submitter. Criteria: Invitae Variant Classification Sherloc (09022015). Collection method: clinical testing. Allele origin: germline.
Comment: For these reasons, this variant has been classified as Pathogenic. While this particular deletion has not been reported in the literature, loss-of-function variants in DNAH5 are known to be pathogenic (PMID: 16627867, 11788826). This variant is a gross deletion of the genomic region encompassing exons 36-39 of the DNAH5 gene. This creates a premature translational stop signal and is expected to result in an absent or disrupted protein product.

Literature cited by the submitters: PubMed 16627867; PubMed 11788826.

NC_000005.9:g.(?_13824302)_(13830890_?)del

Gene: DNAH5 (dynein axonemal heavy chain 5; minus strand). Cytogenetic location: 5p15.2.
Variant type: Deletion.
Identifiers: ClinVar variation 1069563 (VCV001069563.15).